The following is an entry in ClinVar:

ClinVar aggregate classification (germline): Conflicting classifications of pathogenicity. Review status: criteria provided, conflicting classifications (1 of 4 stars). 3 submissions from 3 submitters: Likely pathogenic (1); Uncertain significance (2). Last evaluated 2025-10-02.

Conditions:
Atypical hemolytic-uremic syndrome. Identifiers: Orphanet 2134, MedGen C2931788, MONDO:0016244.

Submissions (3):

Genomenon, Inc
Classification: Likely pathogenic for Atypical hemolytic-uremic syndrome. Last evaluated: 2025-10-02. Review status: criteria provided, single submitter. Criteria: Genomenon Sequence Variant Interpretation Standards - Updated. Collection method: curation. Allele origin: germline. Affected: yes.
Comment: CFH p.Gly155Glu (c.464G>A) is a missense variant that changes the amino acid at residue 155 from Glycine to Glutamic acid. This variant has been observed in at least one proband affected with atypical hemolytic-uremic syndrome (PMID:30286829;23837176). It is absent or not present at a significant frequency in gnomAD. In silico models agree that this variant is possibly or probably damaging. In conclusion, we classify CFH p.Gly155Glu (c.464G>A) as a likely pathogenic variant.

Women's Health and Genetics/Laboratory Corporation of America, LabCorp
Classification: Uncertain significance. Last evaluated: 2025-05-06. Review status: criteria provided, single submitter. Criteria: LabCorp Variant Classification Summary - May 2015. Collection method: clinical testing. Allele origin: germline.
Comment: Variant summary: CFH c.464G>A (p.Gly155Glu) results in a non-conservative amino acid change located in the Sushi repeat (SCR repeat) (IPR000436) of the encoded protein sequence. Algorithms developed to predict the effect of missense changes on protein structure and function all suggest that this variant is likely to be disruptive. The variant was absent in 251048 control chromosomes. The available data on variant occurrences in the general population are insufficient to allow any conclusion about variant significance. c.464G>A has been observed in one individual affected with atypical hemolytic uremic syndrome (Sridharan_2018). These report(s) do not provide unequivocal conclusions about association of the variant with CFH-Related Disorders. To our knowledge, no experimental evidence demonstrating an impact on protein function has been reported. The following publication has been ascertained in the context of this evaluation (PMID: 30286829). ClinVar contains an entry for this variant (Variation ID: 3380251). Based on the evidence outlined above, the variant was classified as uncertain significance.

Mayo Clinic Laboratories, Mayo Clinic
Classification: Uncertain significance. Last evaluated: 2023-11-07. Review status: criteria provided, single submitter. Criteria: ACMG Guidelines, 2015. Collection method: clinical testing. Allele origin: germline. Observed: 2 variant alleles.
Comment: PM2

Literature cited by the submitters: PubMed 30286829 (cited by 3 submitters); PubMed 23837176 (cited by Genomenon, Inc).

NM_000186.4(CFH):c.464G>A (p.Gly155Glu)

Gene: CFH (complement factor H; plus strand). Cytogenetic location: 1q31.3.
Variant type: single nucleotide variant.
Coding change: c.464G>A on transcript NM_000186.4 (MANE Select); coding-DNA position 464, G replaced by A.
Protein change: p.Gly155Glu; replaces glycine 155 with glutamic acid.
Molecular consequence: missense variant.
Genome position (GRCh38, 1-based): chr1:196,677,512, G>A. VCF-style: chr1-196677512-G-A. GRCh37 (hg19) VCF-style: chr1-196646642-G-A.
Other names: p.Gly155Glu; c.464G>A, p.Gly155Glu (NM_001014975.3); short protein forms G155E.
Identifiers: ClinVar variation 3380251 (VCV003380251.3).